The following is an entry in ClinVar:

ClinVar aggregate classification (germline): Uncertain significance (1 of 4 stars; one submission).

Conditions:
Jeune thoracic dystrophy. Also called: Jeune syndrome; Short-rib thoracic dysplasia; Infantile thoracic dystrophy; Thoracic pelvic phalangeal dystrophy; Jeune's syndrome; Chondroectodermal dysplasia-like syndrome. Identifiers: Orphanet 474, MedGen C0265275, MONDO:0018770.

Allele frequency attached by ClinVar (database versions not stated): gnomAD exomes below 0.00001.
gnomAD v4.1: 1 of 1,593,748 alleles (0.000063%); highest among the groups gnomAD compares: Middle Eastern, 0.017%; no homozygotes.

Submission:

Labcorp Genetics (formerly Invitae), Labcorp
Classification: Uncertain significance for Jeune thoracic dystrophy. Last evaluated: 2022-03-12. Review status: criteria provided, single submitter. Criteria: Invitae Variant Classification Sherloc (09022015). Collection method: clinical testing. Allele origin: germline.
Comment: This sequence change replaces arginine, which is basic and polar, with glycine, which is neutral and non-polar, at codon 384 of the IFT80 protein (p.Arg384Gly). This variant is not present in population databases (gnomAD no frequency). This variant has not been reported in the literature in individuals affected with IFT80-related conditions. Algorithms developed to predict the effect of missense changes on protein structure and function (SIFT, PolyPhen-2, Align-GVGD) all suggest that this variant is likely to be disruptive. In summary, the available evidence is currently insufficient to determine the role of this variant in disease. Therefore, it has been classified as a Variant of Uncertain Significance.

NM_020800.3(IFT80):c.1150A>G (p.Arg384Gly)

Genes: IFT80 (intraflagellar transport 80; minus strand), TRIM59-IFT80 (TRIM59-IFT80 readthrough (NMD candidate); minus strand). Cytogenetic location: 3q25.33.
Variant type: single nucleotide variant.
Coding change: c.1150A>G on transcript NM_020800.3 (MANE Select); coding-DNA position 1150, A replaced by G.
Protein change: p.Arg384Gly; replaces arginine 384 with glycine.
Molecular consequence: missense variant. On other transcripts: non-coding transcript variant (3).
Genome position (GRCh38, 1-based): chr3:160,303,916, T>C on the plus strand (A>G on the coding strand, the complement: IFT80 is on the minus strand). VCF-style: chr3-160303916-T-C. GRCh37 (hg19) VCF-style: chr3-160021704-T-C.
Other names: c.739A>G, p.Arg247Gly (NM_001190241.2, NM_001190242.2); short protein forms R384G, R247G.
Identifiers: ClinVar variation 2147135 (VCV002147135.4), dbSNP rs1559928711, ClinGen allele CA355193854.